The following is an entry in ClinVar:

ClinVar aggregate classification (germline): Conflicting classifications of pathogenicity. Review status: criteria provided, conflicting classifications (1 of 4 stars). 4 submissions from 4 submitters: Uncertain significance (2); Likely benign (1). 1 of the submissions does not count toward it. Last evaluated 2025-03-03.

Conditions:
Cardiovascular phenotype. Identifiers: MedGen CN230736.
Alstrom syndrome (ALMS). Identifiers: Orphanet 64, MedGen C0268425, MONDO:0008763, OMIM 203800.

Allele frequency attached by ClinVar (database versions not stated): gnomAD exomes below 0.00001; ExAC 0.00001; TOPMed 0.00003; gnomAD 0.00005; ESP Exome Variant Server 0.00008.
gnomAD v4.1: 8 of 1,613,902 alleles (0.0005%); highest among the groups gnomAD compares: African/African-American, 0.011%; no homozygotes.

Submissions (4):

Labcorp Genetics (formerly Invitae), Labcorp
Classification: Uncertain significance for Alstrom syndrome. Last evaluated: 2025-03-03. Review status: criteria provided, single submitter. Criteria: Invitae Variant Classification Sherloc (09022015). Collection method: clinical testing. Allele origin: germline.
Comment: This sequence change replaces leucine, which is neutral and non-polar, with valine, which is neutral and non-polar, at codon 1496 of the ALMS1 protein (p.Leu1496Val). This variant is present in population databases (rs373213201, gnomAD 0.007%). This variant has not been reported in the literature in individuals affected with ALMS1-related conditions. ClinVar contains an entry for this variant (Variation ID: 553687). Experimental studies and prediction algorithms are not available or were not evaluated, and the functional significance of this variant is currently unknown. In summary, the available evidence is currently insufficient to determine the role of this variant in disease. Therefore, it has been classified as a Variant of Uncertain Significance.

Ambry Genetics
Classification: Likely benign for Cardiovascular phenotype. Last evaluated: 2024-10-16. Review status: criteria provided, single submitter. Criteria: Ambry Variant Classification Scheme 2023. Collection method: clinical testing. Allele origin: germline.

Fulgent Genetics
Classification: Uncertain significance for Alstrom syndrome. Last evaluated: 2021-08-20. Review status: criteria provided, single submitter. Criteria: ACMG Guidelines, 2015. Collection method: clinical testing. Allele origin: unknown.

Counsyl
Classification: Uncertain significance for Alstrom syndrome. Last evaluated: 2017-09-12. Review status: no assertion criteria provided. Collection method: clinical testing. Allele origin: unknown. Not counted in ClinVar's aggregate classification.

NM_001378454.1(ALMS1):c.4483C>G (p.Leu1495Val)

Gene: ALMS1 (ALMS1 centrosome and basal body associated protein; plus strand). Cytogenetic location: 2p13.1.
Variant type: single nucleotide variant.
Coding change: c.4483C>G on transcript NM_001378454.1 (MANE Select); coding-DNA position 4483, C replaced by G.
Protein change: p.Leu1495Val; replaces leucine 1495 with valine.
Molecular consequence: missense variant.
Genome position (GRCh38, 1-based): chr2:73,451,010, C>G. VCF-style: chr2-73451010-C-G. GRCh37 (hg19) VCF-style: chr2-73678137-C-G.
Other names: c.4486C>G, p.Leu1496Val (NM_015120.4); short protein forms L1496V, L1495V.
Identifiers: ClinVar variation 553687 (VCV000553687.8), dbSNP rs373213201, ClinGen allele CA1713719.